The following is an entry in ClinVar:

ClinVar aggregate classification (germline): Uncertain significance (1 of 4 stars; one submission).

Allele frequency attached by ClinVar (database versions not stated): gnomAD exomes 0.00001.
gnomAD v4.1: 3 of 1,614,094 alleles (0.00019%); highest among the groups gnomAD compares: Non-Finnish European, 0.00025%; no homozygotes.

Submission:

Labcorp Genetics (formerly Invitae), Labcorp
Classification: Uncertain significance. Last evaluated: 2023-08-11. Review status: criteria provided, single submitter. Criteria: Invitae Variant Classification Sherloc (09022015). Collection method: clinical testing. Allele origin: germline.
Comment: An algorithm developed to predict the effect of missense changes on protein structure and function (PolyPhen-2) suggests that this variant is likely to be disruptive. This sequence change replaces serine, which is neutral and polar, with proline, which is neutral and non-polar, at codon 120 of the NSUN3 protein (p.Ser120Pro). This variant is not present in population databases (gnomAD no frequency). This variant has not been reported in the literature in individuals affected with NSUN3-related conditions. In summary, the available evidence is currently insufficient to determine the role of this variant in disease. Therefore, it has been classified as a Variant of Uncertain Significance.

NM_022072.5(NSUN3):c.358T>C (p.Ser120Pro)

Gene: NSUN3 (NOP2/Sun RNA methyltransferase 3; plus strand). Cytogenetic location: 3q11.2.
Variant type: single nucleotide variant.
Coding change: c.358T>C on transcript NM_022072.5 (MANE Select); coding-DNA position 358, T replaced by C.
Protein change: p.Ser120Pro; replaces serine 120 with proline.
Molecular consequence: missense variant.
Genome position (GRCh38, 1-based): chr3:94,084,342, T>C. VCF-style: chr3-94084342-T-C. GRCh37 (hg19) VCF-style: chr3-93803186-T-C.
Other names: short protein forms S120P.
Identifiers: ClinVar variation 2886622 (VCV002886622.3), dbSNP rs2077283550, ClinGen allele CA353704717.